The following is an entry in ClinVar:

NM_001267550.2(TTN):c.74258del (p.Asn24753fs)

Genes: TTN (titin; minus strand), TTN-AS1 (TTN antisense RNA 1; plus strand). Cytogenetic location: 2q31.2.
Variant type: Deletion.
Coding change: c.74258del on transcript NM_001267550.2 (MANE Select); coding-DNA position 74258, one base deleted (A; older notation c.74258delA).
Protein change: p.Asn24753fs; shifts the reading frame from asparagine 24753.
Molecular consequence: frameshift variant.
Genome position (GRCh38, 1-based): chr2:178,571,874, T deleted on the plus strand (A on the coding strand, the reverse complement: TTN is on the minus strand); the first of 2 consecutive T bases (chr2:178,571,874-178,571,875); deleting either gives the same sequence. VCF-style (leftmost placement, unchanged base first): chr2-178571873-AT-A. GRCh37 (hg19) VCF-style: chr2-179436600-AT-A.
Other names: c.69335del, p.Asn23112fs (NM_001256850.1); c.47063del, p.Asn15688fs (NM_003319.4); c.66554del, p.Asn22185fs (NM_133378.4); c.47438del, p.Asn15813fs (NM_133432.3); c.47639del, p.Asn15880fs (NM_133437.4); short protein forms N23112fs, N15813fs, N15688fs, N15880fs, N22185fs, N24753fs.
Identifiers: ClinVar variation 1513379 (VCV001513379.6), dbSNP rs2154169665, ClinGen allele CA2573134142.
Genomic context (GRCh38, chr2:178,571,873, plus strand): 5'-CAGTAGTGAATTATTTTCTGTGCTCTCTGCATTTACTCTAGTTGTCTGCTTCAGTGGTAC[AT>A]TATCTTTATGCCAGGTTACAGCTGGGGTAGGGCGGCCAATGAATGGAACATCAACTTTTA-3'

ClinVar aggregate classification (germline): Likely pathogenic (1 of 4 stars; one submission).

Conditions:
Dilated cardiomyopathy 1G (CMD1G). Identifiers: Orphanet 154, MedGen C1858763, MONDO:0011400, OMIM 604145.
Autosomal recessive limb-girdle muscular dystrophy type 2J (LGMDR10). Also called: Limb-girdle muscular dystrophy, type 2J; MUSCULAR DYSTROPHY, LIMB-GIRDLE, AUTOSOMAL RECESSIVE 10. Identifiers: Orphanet 140922, MedGen C1837342, MONDO:0012127, OMIM 608807.

Submission:

Labcorp Genetics (formerly Invitae), Labcorp
Classification: Likely pathogenic for Dilated cardiomyopathy 1G; Autosomal recessive limb-girdle muscular dystrophy type 2J. Last evaluated: 2021-07-27. Review status: criteria provided, single submitter. Criteria: Invitae Variant Classification Sherloc (09022015). Collection method: clinical testing. Allele origin: germline.
Comment: This variant is located in the A band of TTN (PMID: 25589632). Truncating variants in this region are significantly overrepresented in patients affected with dilated cardiomyopathy (PMID: 25589632). Truncating variants in this region have also been reported in individuals affected with autosomal recessive centronuclear myopathy (PMID: 23975875). This variant has not been reported in the literature in individuals affected with TTN-related conditions. This variant is not present in population databases (ExAC no frequency). This sequence change creates a premature translational stop signal (p.Asn24753Metfs*4) in the TTN gene. While this is not anticipated to result in nonsense mediated decay, it is expected to create a truncated TTN protein. In summary, the currently available evidence indicates that the variant is pathogenic, but additional data are needed to prove that conclusively. Therefore, this variant has been classified as Likely Pathogenic.

Literature cited by the submitters: PubMed 25589632; PubMed 23975875.